The following is an entry in ClinVar:

NM_000051.4(ATM):c.1643_1656del (p.Thr548fs)

Gene: ATM (ATM serine/threonine kinase; plus strand). Cytogenetic location: 11q22.3.
Variant type: Deletion.
Coding change: c.1643_1656del on transcript NM_000051.4 (MANE Select); coding-DNA positions 1643 to 1656, 14 bases deleted (CCAGTATAGTTCCA).
Protein change: p.Thr548fs; shifts the reading frame from threonine 548.
Molecular consequence: frameshift variant.
Genome position (GRCh38, 1-based): chr11:108,251,872-108,251,885, CCAGTATAGTTCCA deleted; deleting any 14 consecutive bases within chr11:108,251,869-108,251,885 gives the same sequence; the c. name uses the placement nearest the transcript's 3' end. VCF-style (leftmost placement, unchanged base first): chr11-108251868-ACCACCAGTATAGTT-A. GRCh37 (hg19) VCF-style: chr11-108122595-ACCACCAGTATAGTT-A.
Other names: c.1643_1656del, p.Thr548fs (NM_001351834.2); short protein forms T548fs.
Identifiers: ClinVar variation 819732 (VCV000819732.5), dbSNP rs1591527327, ClinGen allele CA915948350.

ClinVar aggregate classification (germline): Pathogenic (1 of 4 stars; one submission).

Conditions:
Hereditary cancer-predisposing syndrome. Also called: Neoplastic Syndromes, Hereditary; Tumor predisposition; Hereditary Cancer Syndrome; Hereditary neoplastic syndrome. Identifiers: Orphanet 140162, MedGen C0027672, MeSH D009386, MONDO:0015356.

Submission:

Ambry Genetics
Classification: Pathogenic for Hereditary cancer-predisposing syndrome. Last evaluated: 2025-05-01. Review status: criteria provided, single submitter. Criteria: Ambry Variant Classification Scheme 2023. Collection method: clinical testing. Allele origin: germline.
Comment: The c.1643_1656del14 pathogenic mutation, located in coding exon 10 of the ATM gene, results from a deletion of 14 nucleotides at nucleotide positions 1643 to 1656, causing a translational frameshift with a predicted alternate stop codon (p.T548Rfs*13). This variant is considered to be rare based on population cohorts in the Genome Aggregation Database (gnomAD). This alteration is expected to result in loss of function by premature protein truncation or nonsense-mediated mRNA decay. As such, this alteration is interpreted as a disease-causing mutation.